The following is an entry in ClinVar:

NM_052947.4(ALPK2):c.5064G>C (p.Glu1688Asp)

Genes: ALPK2 (alpha kinase 2; minus strand), LOC130062577 (ATAC-STARR-seq lymphoblastoid active region 13389; plus strand). Cytogenetic location: 18q21.31.
Variant type: single nucleotide variant.
Coding change: c.5064G>C on transcript NM_052947.4 (MANE Select); coding-DNA position 5064, G replaced by C.
Protein change: p.Glu1688Asp; replaces glutamic acid 1688 with aspartic acid.
Molecular consequence: missense variant.
Genome position (GRCh38, 1-based): chr18:58,535,123, C>G on the plus strand (G>C on the coding strand, the complement: ALPK2 is on the minus strand). VCF-style: chr18-58535123-C-G. GRCh37 (hg19) VCF-style: chr18-56202355-C-G.
Other names: short protein forms E1688D.
Identifiers: ClinVar variation 3289049 (VCV003289049.1).

ClinVar aggregate classification (germline): Uncertain significance (1 of 4 stars; one submission).

gnomAD v4.1: 1 of 1,614,050 alleles (0.000062%); highest among the groups gnomAD compares: Non-Finnish European, 0.000085%; no homozygotes.

Submission:

Ambry Genetics
Classification: Uncertain significance. Last evaluated: 2024-03-18. Review status: criteria provided, single submitter. Criteria: Ambry Variant Classification Scheme 2023. Collection method: clinical testing. Allele origin: germline.
Comment: The p.E1688D variant (also known as c.5064G>C), located in coding exon 4 of the ALPK2 gene, results from a G to C substitution at nucleotide position 5064. The glutamic acid at codon 1688 is replaced by aspartic acid, an amino acid with highly similar properties. This amino acid position is conserved. In addition, this alteration is predicted to be tolerated by in silico analysis. Based on the available evidence, the clinical significance of this alteration remains unclear.